The following is an entry in ClinVar:

NM_002474.3(MYH11):c.2600G>A (p.Arg867Gln)

Gene: MYH11 (myosin heavy chain 11; minus strand). Cytogenetic location: 16p13.11.
Variant type: single nucleotide variant.
Coding change: c.2600G>A on transcript NM_002474.3 (MANE Select); coding-DNA position 2600, G replaced by A.
Protein change: p.Arg867Gln; replaces arginine 867 with glutamine.
Molecular consequence: missense variant.
Genome position (GRCh38, 1-based): chr16:15,741,812, C>T on the plus strand (G>A on the coding strand, the complement: MYH11 is on the minus strand). VCF-style: chr16-15741812-C-T. GRCh37 (hg19) VCF-style: chr16-15835669-C-T.
Other names: c.2621G>A, p.Arg874Gln (NM_001040113.2, NM_001040114.2); c.2600G>A, p.Arg867Gln (NM_022844.3); short protein forms R867Q, R874Q.
Identifiers: ClinVar variation 918961 (VCV000918961.23), dbSNP rs773993037, ClinGen allele CA7922222.

ClinVar aggregate classification (germline): Uncertain significance. Review status: criteria provided, multiple submitters, no conflicts (2 of 4 stars). 6 submissions from 6 submitters: Uncertain significance (6). Last evaluated 2025-12-14.

Conditions:
Familial thoracic aortic aneurysm and aortic dissection (TAAD). Also called: Thoracic aortic aneurysms and dissections. Identifiers: Orphanet 91387, MedGen C4707243, MONDO:0019625.
Aortic aneurysm, familial thoracic 4 (AAT4). Also called: AORTIC ANEURYSM/AORTIC DISSECTION AND PATENT DUCTUS ARTERIOSUS. Identifiers: MedGen C1851504, MONDO:0007568, OMIM 132900.

Allele frequency attached by ClinVar (database versions not stated): gnomAD 0.00001; ExAC 0.00002; gnomAD exomes 0.00002; TOPMed 0.00002.
gnomAD v4.1: 28 of 1,614,090 alleles (0.0017%); highest among the groups gnomAD compares: Middle Eastern, 0.016%; no homozygotes.

Submissions (6):

Labcorp Genetics (formerly Invitae), Labcorp
Classification: Uncertain significance for Aortic aneurysm, familial thoracic 4. Last evaluated: 2025-12-14. Review status: criteria provided, single submitter. Criteria: Invitae Variant Classification Sherloc (09022015). Collection method: clinical testing. Allele origin: germline.
Comment: This sequence change replaces arginine, which is basic and polar, with glutamine, which is neutral and polar, at codon 874 of the MYH11 protein (p.Arg874Gln). This variant is present in population databases (rs773993037, gnomAD 0.01%). This variant has not been reported in the literature in individuals affected with MYH11-related conditions. ClinVar contains an entry for this variant (Variation ID: 918961). Invitae Evidence Modeling of protein sequence and biophysical properties (such as structural, functional, and spatial information, amino acid conservation, physicochemical variation, residue mobility, and thermodynamic stability) indicates that this missense variant is not expected to disrupt MYH11 protein function with a negative predictive value of 95%. In summary, the available evidence is currently insufficient to determine the role of this variant in disease. Therefore, it has been classified as a Variant of Uncertain Significance.

Ambry Genetics
Classification: Uncertain significance for Familial thoracic aortic aneurysm and aortic dissection. Last evaluated: 2025-08-06. Review status: criteria provided, single submitter. Criteria: Ambry Variant Classification Scheme 2023. Collection method: clinical testing. Allele origin: germline.
Comment: The p.R867Q variant (also known as c.2600G>A), located in coding exon 20 of the MYH11 gene, results from a G to A substitution at nucleotide position 2600. The arginine at codon 867 is replaced by glutamine, an amino acid with highly similar properties. This amino acid position is conserved. In addition, this alteration is predicted to be tolerated by in silico analysis. Since supporting evidence is limited at this time, the clinical significance of this alteration remains unclear.

Color Diagnostics, LLC DBA Color Health
Classification: Uncertain significance for Familial thoracic aortic aneurysm and aortic dissection. Last evaluated: 2024-03-06. Review status: criteria provided, single submitter. Criteria: ACMG Guidelines, 2015. Collection method: clinical testing. Allele origin: germline.
Comment: This missense variant replaces arginine with glutamine at codon 874 of the MYH11 protein. Computational prediction suggests that this variant may not impact protein structure and function (internally defined REVEL score threshold <= 0.5, PMID: 27666373). To our knowledge, functional studies have not been reported for this variant. This variant has not been reported in individuals affected with MYH11-related disorders in the literature. This variant has been identified in 4/251476 chromosomes in the general population by the Genome Aggregation Database (gnomAD). The available evidence is insufficient to determine the role of this variant in disease conclusively. Therefore, this variant is classified as a Variant of Uncertain Significance.

All of Us Research Program, National Institutes of Health
Classification: Uncertain significance for Familial thoracic aortic aneurysm and aortic dissection. Last evaluated: 2023-11-30. Review status: criteria provided, single submitter. Criteria: ACMG Guidelines, 2015. Collection method: clinical testing. Allele origin: germline. Inheritance: Autosomal dominant inheritance. Observed: 5 variant alleles, 5 heterozygotes.
Comment: This missense variant replaces arginine with glutamine at codon 874 of the MYH11 protein. Computational prediction suggests that this variant may not impact protein structure and function (internally defined REVEL score threshold <= 0.5, PMID: 27666373). To our knowledge, functional studies have not been reported for this variant. This variant has not been reported in individuals affected with cardiovascular disorders in the literature. This variant has been identified in 4/251476 chromosomes in the general population by the Genome Aggregation Database (gnomAD). The available evidence is insufficient to determine the role of this variant in disease conclusively. Therefore, this variant is classified as a Variant of Uncertain Significance.

This study involves interpretation of variants in research participants for the purpose of population health screening. Participant phenotype was not available at the time of variant classification. Additional details can be found in publication PMID: 35346344, PMCID: PMC8962531

GeneDx
Classification: Uncertain significance. Last evaluated: 2022-09-01. Review status: criteria provided, single submitter. Criteria: GeneDx Variant Classification Process June 2021. Collection method: clinical testing. Allele origin: germline. Affected: yes.
Comment: Has not been previously published as pathogenic or benign to our knowledge; Not observed at significant frequency in large population cohorts (gnomAD); In silico analysis supports that this missense variant does not alter protein structure/function

ARUP Laboratories, Molecular Genetics and Genomics, ARUP Laboratories
Classification: Uncertain significance for Aortic aneurysm, familial thoracic 4. Last evaluated: 2020-03-02. Review status: criteria provided, single submitter. Criteria: ARUP Molecular Germline Variant Investigation Process. Collection method: clinical testing. Allele origin: germline.
Comment: The MYH11 c.2600G>A; p.Arg867Gln variant (rs773993037), to our knowledge, is not reported in the medical literature or gene specific databases. This variant is only observed on four alleles in the Genome Aggregation Database, indicating it is not a common polymorphism. The arginine at codon 867 is weakly conserved, and computational analyses (SIFT, PolyPhen-2) predict that this variant is tolerated. Due to limited information, the clinical significance of the p.Arg867Gln variant is uncertain at this time.